The following is an entry in ClinVar:

NM_001099922.3(ALG13):c.2239A>G (p.Thr747Ala)

Gene: ALG13 (ALG13 UDP-N-acetylglucosaminyltransferase subunit; plus strand). Cytogenetic location: Xq23.
Variant type: single nucleotide variant.
Coding change: c.2239A>G on transcript NM_001099922.3 (MANE Select); coding-DNA position 2239, A replaced by G.
Protein change: p.Thr747Ala; replaces threonine 747 with alanine.
Molecular consequence: missense variant. On other transcripts: non-coding transcript variant (1).
Genome position (GRCh38, 1-based): chrX:111,727,762, A>G. VCF-style: chrX-111727762-A-G. GRCh37 (hg19) VCF-style: chrX-110970990-A-G.
Other names: c.1927A>G, p.Thr643Ala (NM_001257230.2, NM_001257234.2, NM_001257237.2); c.2005A>G, p.Thr669Ala (NM_001257231.2); c.2239A>G, p.Thr747Ala (NM_001324292.2); c.1753A>G, p.Thr585Ala (NM_001324293.1); short protein forms T585A, T643A, T669A, T747A.
Identifiers: ClinVar variation 2195120 (VCV002195120.1), dbSNP rs1295711589, ClinGen allele CA414253590.
Genomic context (GRCh38, chrX:111,727,762, plus strand): 5'-GGCTTGGAAGAAACTATTACTTTTTATGAAGTTGAAGAAGGGGATGAGACTGCTTATCCA[A>G]CTTTACCTGTGAGTGGATCAATGCTTTACTCAAAAAGCTGTTTACTTTTTTCATTTATTT-3'
Protein context (NP_001093392.1, residues 737-757): VEEGDETAYP[Thr747Ala]LPNHGGPSTM

ClinVar aggregate classification (germline): Uncertain significance (1 of 4 stars; one submission).

Conditions:
Developmental and epileptic encephalopathy, 36 (DEE36). Also called: Epileptic encephalopathy, early infantile, 36; Congenital disorder of glycosylation, type Is; ALG13-CDG. Identifiers: Orphanet 324422, MedGen C4317295, MONDO:0010472, OMIM 300884.

Allele frequency attached by ClinVar (database versions not stated): TOPMed below 0.00001; gnomAD 0.00001.
gnomAD v4.1: 7 of 1,200,443 alleles (0.00058%); highest among the groups gnomAD compares: East Asian, 0.003%; no homozygotes.

Submission:

Labcorp Genetics (formerly Invitae), Labcorp
Classification: Uncertain significance for Developmental and epileptic encephalopathy, 36. Last evaluated: 2022-02-02. Review status: criteria provided, single submitter. Criteria: Invitae Variant Classification Sherloc (09022015). Collection method: clinical testing. Allele origin: germline.
Comment: This sequence change replaces threonine, which is neutral and polar, with alanine, which is neutral and non-polar, at codon 747 of the ALG13 protein (p.Thr747Ala). This variant is not present in population databases (gnomAD no frequency). This variant has not been reported in the literature in individuals affected with ALG13-related conditions. Algorithms developed to predict the effect of missense changes on protein structure and function output the following: SIFT: "Tolerated"; PolyPhen-2: "Benign"; Align-GVGD: "Class C0". The alanine amino acid residue is found in multiple mammalian species, which suggests that this missense change does not adversely affect protein function. In summary, the available evidence is currently insufficient to determine the role of this variant in disease. Therefore, it has been classified as a Variant of Uncertain Significance.